The following is an entry in ClinVar:

ClinVar aggregate classification (germline): Conflicting classifications of pathogenicity. Review status: criteria provided, conflicting classifications (1 of 4 stars). 6 submissions from 6 submitters: Uncertain significance (1); Likely benign (5). Last evaluated 2026-01-14.

Conditions:
Hereditary pulmonary alveolar proteinosis. Also called: Pulmonary surfactant metabolism dysfunction. Identifiers: Orphanet 264675, MedGen C3711368, MONDO:0012580.
Interstitial lung disease due to ABCA3 deficiency. Also called: PULMONARY ALVEOLAR PROTEINOSIS, CONGENITAL, 3. Identifiers: Orphanet 440402, MedGen C1970456, MONDO:0012582, OMIM 610921.

Allele frequency attached by ClinVar (database versions not stated): gnomAD 0.00009 and 0.00010; TOPMed 0.00014; ESP Exome Variant Server 0.00015; gnomAD exomes 0.00016 and 0.00026; ExAC 0.00025.
gnomAD v4.1: 258 of 1,614,018 alleles (0.016%); highest among the groups gnomAD compares: South Asian, 0.067%; no homozygotes.

Submissions (6):

Labcorp Genetics (formerly Invitae), Labcorp
Classification: Likely benign. Last evaluated: 2026-01-14. Review status: criteria provided, single submitter. Criteria: Invitae Variant Classification Sherloc (09022015). Collection method: clinical testing. Allele origin: germline.

Blueprint Genetics
Classification: Likely benign. Last evaluated: 2024-11-23. Review status: criteria provided, single submitter. Criteria: ACMG Guidelines, 2015. Collection method: clinical testing. Allele origin: germline.

CeGaT Center for Human Genetics Tuebingen
Classification: Likely benign. Last evaluated: 2024-11-01. Review status: criteria provided, single submitter. Criteria: CeGaT Center For Human Genetics Tuebingen Variant Classification Criteria Version 2. Collection method: clinical testing. Allele origin: germline. Affected: yes. Observed: 1 variant allele.
Comment: ABCA3: BP4, BP7

Johns Hopkins Genomics, Johns Hopkins University
Classification: Likely benign for Interstitial lung disease due to ABCA3 deficiency. Last evaluated: 2019-05-15. Review status: criteria provided, single submitter. Criteria: ACMG Guidelines, 2015. Collection method: clinical testing. Allele origin: germline.

Illumina Laboratory Services, Illumina
Classification: Uncertain significance for Interstitial lung disease due to ABCA3 deficiency. Last evaluated: 2018-01-12. Review status: criteria provided, single submitter. Criteria: ICSL Variant Classification Criteria 13 December 2019. Collection method: clinical testing. Allele origin: germline.

Ambry Genetics
Classification: Likely benign for Hereditary pulmonary alveolar proteinosis. Last evaluated: 2014-06-13. Review status: criteria provided, single submitter. Criteria: Ambry Variant Classification Scheme 2023. Collection method: clinical testing. Allele origin: germline.

NM_001089.3(ABCA3):c.3207C>T (p.His1069=)

Gene: ABCA3 (ATP binding cassette subfamily A member 3; minus strand). Cytogenetic location: 16p13.3.
Variant type: single nucleotide variant.
Coding change: c.3207C>T on transcript NM_001089.3 (MANE Select); coding-DNA position 3207, C replaced by T.
Protein change: p.His1069=; no amino-acid change (histidine 1069 retained).
Molecular consequence: synonymous variant.
Genome position (GRCh38, 1-based): chr16:2,286,765, G>A on the plus strand (C>T on the coding strand, the complement: ABCA3 is on the minus strand). VCF-style: chr16-2286765-G-A. GRCh37 (hg19) VCF-style: chr16-2336766-G-A.
Identifiers: ClinVar variation 318426 (VCV000318426.32), dbSNP rs151260964, ClinGen allele CA7840579.
Genomic context (GRCh38, chr16:2,286,765, plus strand): 5'-GTCCTTGGCAGCCTGCAGGGCGCTCCGGGGCTGGGGGAAGTTGGAGACCACAATGGAGGC[G>A]TGAGGCCCGCACAGCAGCTTGAACAGAAGGTTGTCCACGACGGCCAGGGCAGTGGCTGGA-3'
Protein context (NP_001080.2, residues 1059-1079): NLLFKLLCGP[His1069=]ASIVVSNFPQ